The following is an entry in ClinVar:

ClinVar aggregate classification (germline): Pathogenic/Likely pathogenic. Review status: criteria provided, multiple submitters, no conflicts (2 of 4 stars). 3 submissions from 3 submitters: Pathogenic (1); Likely pathogenic (1). 1 of the submissions does not count toward it. Last evaluated 2022-01-11.

Conditions:
Junctional epidermolysis bullosa gravis of Herlitz. Also called: EPIDERMOLYSIS BULLOSA JUNCTIONALIS, HERLITZ TYPE; EPIDERMOLYSIS BULLOSA, JUNCTIONAL, HERLITZ-PEARSON TYPE; JEB-HERLITZ TYPE; Epidermolysis Bullosa Letalis; Herlitz-type junctional epidermolysis bullosa; EPIDERMOLYSIS BULLOSA, JUNCTIONAL 1B, SEVERE. Identifiers: Orphanet 79404, MedGen C0079683, MONDO:0009182, OMIM 226700.

Submissions (3):

Labcorp Genetics (formerly Invitae), Labcorp
Classification: Pathogenic. Last evaluated: 2022-01-11. Review status: criteria provided, single submitter. Criteria: Invitae Variant Classification Sherloc (09022015). Collection method: clinical testing. Allele origin: germline.
Comment: For these reasons, this variant has been classified as Pathogenic. ClinVar contains an entry for this variant (Variation ID: 549907). This variant has not been reported in the literature in individuals affected with LAMB3-related conditions. This variant is present in population databases (no rsID available, gnomAD 0.003%). This sequence change creates a premature translational stop signal (p.Cys788Glnfs*13) in the LAMB3 gene. It is expected to result in an absent or disrupted protein product. Loss-of-function variants in LAMB3 are known to be pathogenic (PMID: 11023379, 16473856).

Neuberg Centre For Genomic Medicine, NCGM
Classification: Likely pathogenic for Junctional epidermolysis bullosa gravis of Herlitz. Review status: criteria provided, single submitter. Criteria: ACMG Guidelines, 2015. Collection method: clinical testing. Allele origin: germline. Inheritance: Autosomal recessive inheritance. Affected: yes.
Comment: The frameshift variant c.2362_2372del (p.Cys788GlnfsTer13) in the LAMB3 gene has not been reported previously as a pathogenic variant nor as a benign variant, to our knowledge. The variant has 0.0003% allele frequency in gnomAD Exomes. This variant has been reported to the ClinVar database as Pathogenic/ Likely Pathogenic. However, literature and experimental studies on the pathogenicity of the variant are not available. This variant causes a frameshift starting with codon Cysteine 788, changes this amino acid to Glutamine residue, and creates a premature Stop codon at position 13 of the new reading frame. This variant is predicted to cause loss of normal protein function through protein truncation. Loss of function variants has been previously reported to be disease causing (Vahidnezhad et al., 2017). For these reasons, this variant has been classified as Likely Pathogenic

Counsyl
Classification: Likely pathogenic for Junctional epidermolysis bullosa gravis of Herlitz. Last evaluated: 2017-06-15. Review status: no assertion criteria provided. Collection method: clinical testing. Allele origin: unknown. Not counted in ClinVar's aggregate classification.

Literature cited by the submitters: PubMed 11023379 (cited by Labcorp Genetics (formerly Invitae), Labcorp); PubMed 16473856 (cited by Labcorp Genetics (formerly Invitae), Labcorp).

NM_000228.3(LAMB3):c.2362_2372del (p.Cys788fs)

Gene: LAMB3 (laminin subunit beta 3; minus strand). Cytogenetic location: 1q32.2.
Variant type: Deletion.
Coding change: c.2362_2372del on transcript NM_000228.3 (MANE Select); coding-DNA positions 2362 to 2372, 11 bases deleted (TGTGGCAACTC).
Protein change: p.Cys788fs; shifts the reading frame from cysteine 788.
Molecular consequence: frameshift variant.
Genome position (GRCh38, 1-based): chr1:209,623,166-209,623,176, GAGTTGCCACA deleted on the plus strand (TGTGGCAACTC on the coding strand, the reverse complement: LAMB3 is on the minus strand); deleting any 11 consecutive bases within chr1:209,623,166-209,623,179 gives the same sequence; the c. name uses the placement nearest the transcript's 3' end. VCF-style (leftmost placement, unchanged base first): chr1-209623165-GGAGTTGCCACA-G. GRCh37 (hg19) VCF-style: chr1-209796510-GGAGTTGCCACA-G.
Other names: c.2362_2372del, p.Cys788fs (NM_001017402.2, NM_001127641.1); short protein forms C788fs.
Identifiers: ClinVar variation 549907 (VCV000549907.9), dbSNP rs1375506940, ClinGen allele CA529000226.
Genomic context (GRCh38, chr1:209,623,165, plus strand): 5'-GCCATTGTCTTGGGGACATAGCTCACCAGGGCATGATATTGGGGTGCAAGCCATCTGCCT[GGAGTTGCCACA>G]GAGCTGTGGACAGATGGCGGTGTTAAAGAGGCTACCCAAAGCCCCTCAATAACCAATCCC-3'